The following is an entry in ClinVar:

ClinVar aggregate classification (germline): Uncertain significance (1 of 4 stars; one submission).

Conditions:
Severe combined immunodeficiency due to DNA-PKcs deficiency. Also called: IMMUNODEFICIENCY 26 WITH NEUROLOGIC ABNORMALITIES; Immunodeficiency 26 with or without neurologic abnormalities. Identifiers: Orphanet 317425, MedGen C4014833, MONDO:0014423, OMIM 615966.

Allele frequency attached by ClinVar (database versions not stated): gnomAD exomes below 0.00001; ExAC 0.00001.
gnomAD v4.1: 4 of 1,611,538 alleles (0.00025%); highest among the groups gnomAD compares: Non-Finnish European, 0.00034%; no homozygotes.

Submission:

Labcorp Genetics (formerly Invitae), Labcorp
Classification: Uncertain significance for Severe combined immunodeficiency due to DNA-PKcs deficiency. Last evaluated: 2022-02-10. Review status: criteria provided, single submitter. Criteria: Invitae Variant Classification Sherloc (09022015). Collection method: clinical testing. Allele origin: germline.
Comment: This sequence change replaces proline, which is neutral and non-polar, with serine, which is neutral and polar, at codon 4094 of the PRKDC protein (p.Pro4094Ser). This variant is present in population databases (rs748067036, gnomAD 0.0009%). This variant has not been reported in the literature in individuals affected with PRKDC-related conditions. Experimental studies and prediction algorithms are not available or were not evaluated, and the functional significance of this variant is currently unknown. In summary, the available evidence is currently insufficient to determine the role of this variant in disease. Therefore, it has been classified as a Variant of Uncertain Significance.

NM_006904.7(PRKDC):c.12280C>T (p.Pro4094Ser)

Gene: PRKDC (protein kinase, DNA-activated, catalytic subunit; minus strand). Cytogenetic location: 8q11.21.
Variant type: single nucleotide variant.
Coding change: c.12280C>T on transcript NM_006904.7 (MANE Select); coding-DNA position 12280, C replaced by T.
Protein change: p.Pro4094Ser; replaces proline 4094 with serine.
Molecular consequence: missense variant.
Genome position (GRCh38, 1-based): chr8:47,774,280, G>A on the plus strand (C>T on the coding strand, the complement: PRKDC is on the minus strand). VCF-style: chr8-47774280-G-A. GRCh37 (hg19) VCF-style: chr8-48686841-G-A.
Other names: c.12187C>T, p.Pro4063Ser (NM_001081640.2); short protein forms P4063S, P4094S.
Identifiers: ClinVar variation 1477734 (VCV001477734.6), dbSNP rs748067036, ClinGen allele CA4738861.